The following is an entry in ClinVar:

NM_000548.5(TSC2):c.1850T>C (p.Phe617Ser)

Gene: TSC2 (TSC complex subunit 2; plus strand). Cytogenetic location: 16p13.3.
Variant type: single nucleotide variant.
Coding change: c.1850T>C on transcript NM_000548.5 (MANE Select); coding-DNA position 1850, T replaced by C.
Protein change: p.Phe617Ser; replaces phenylalanine 617 with serine.
Molecular consequence: missense variant.
Genome position (GRCh38, 1-based): chr16:2,071,520, T>C. VCF-style: chr16-2071520-T-C. GRCh37 (hg19) VCF-style: chr16-2121521-T-C.
Other names: c.1850T>C, p.Phe617Ser (NM_001406663.1, NM_001406664.1, NM_001406665.1 and 6 more transcripts); c.1739T>C, p.Phe580Ser (NM_001406670.1, NM_001318827.2, NM_001406678.1); c.1940T>C, p.Phe647Ser (NM_001406668.1, NM_001406667.1); c.1703T>C, p.Phe568Ser (NM_001318829.2, NM_001406675.1, NM_001406676.1 and 1 more transcripts); c.1250T>C, p.Phe417Ser (NM_001318831.2, NM_001406680.1, NM_001406682.1 and 6 more transcripts); c.1883T>C, p.Phe628Ser (NM_001318832.2); c.1838T>C, p.Phe613Ser (NM_001406671.1, NM_001406673.1); c.1793T>C, p.Phe598Ser (NM_001406677.1); and 3 more; short protein forms F417S, F463S, F598S, F613S, F628S, F647S, F580S, F617S.
Identifiers: ClinVar variation 1781324 (VCV001781324.3), dbSNP rs2543672929, ClinGen allele CA394273050.

ClinVar aggregate classification (germline): Uncertain significance. Review status: criteria provided, multiple submitters, no conflicts (2 of 4 stars). 2 submissions from 2 submitters: Uncertain significance (2). Last evaluated 2023-06-01.

Conditions:
Hereditary cancer-predisposing syndrome. Also called: Neoplastic Syndromes, Hereditary; Tumor predisposition; Hereditary Cancer Syndrome; Hereditary neoplastic syndrome. Identifiers: Orphanet 140162, MedGen C0027672, MeSH D009386, MONDO:0015356.

Submissions (2):

GeneDx
Classification: Uncertain significance. Last evaluated: 2023-06-01. Review status: criteria provided, single submitter. Criteria: GeneDx Variant Classification Process June 2021. Collection method: clinical testing. Allele origin: germline. Affected: yes.
Comment: Not observed at significant frequency in large population cohorts (gnomAD); In silico analysis supports that this missense variant has a deleterious effect on protein structure/function; Has not been previously published as pathogenic or benign to our knowledge

Ambry Genetics
Classification: Uncertain significance for Hereditary cancer-predisposing syndrome. Last evaluated: 2022-04-01. Review status: criteria provided, single submitter. Criteria: Ambry Variant Classification Scheme 2023. Collection method: clinical testing. Allele origin: germline.
Comment: The p.F617S variant (also known as c.1850T>C), located in coding exon 17 of the TSC2 gene, results from a T to C substitution at nucleotide position 1850. The phenylalanine at codon 617 is replaced by serine, an amino acid with highly dissimilar properties. This amino acid position is conserved. In addition, this alteration is predicted to be deleterious by in silico analysis. Since supporting evidence is limited at this time, the clinical significance of this alteration remains unclear.